The following is an entry in ClinVar:

ClinVar aggregate classification (germline): Conflicting classifications of pathogenicity. Review status: criteria provided, conflicting classifications (1 of 4 stars). 4 submissions from 4 submitters: Uncertain significance (2); Likely benign (1). 1 of the submissions does not count toward it. Last evaluated 2025-07-08.

Submissions (4):

Labcorp Genetics (formerly Invitae), Labcorp
Classification: Uncertain significance. Last evaluated: 2025-07-08. Review status: criteria provided, single submitter. Criteria: Invitae Variant Classification Sherloc (09022015). Collection method: clinical testing. Allele origin: germline.
Comment: This variant, c.357_392del, results in the deletion of 12 amino acid(s) of the HOXA13 protein (p.Ala122_Ala133del), but otherwise preserves the integrity of the reading frame. The frequency data for this variant in the population databases is considered unreliable, as metrics indicate poor data quality at this position in the gnomAD database. This variant has not been reported in the literature in individuals affected with HOXA13-related conditions. ClinVar contains an entry for this variant (Variation ID: 591912). Experimental studies and prediction algorithms are not available or were not evaluated, and the functional significance of this variant is currently unknown. In summary, the available evidence is currently insufficient to determine the role of this variant in disease. Therefore, it has been classified as a Variant of Uncertain Significance.

Blueprint Genetics
Classification: Likely benign. Last evaluated: 2024-11-11. Review status: criteria provided, single submitter. Criteria: ACMG Guidelines, 2015. Collection method: clinical testing. Allele origin: germline.

GeneDx
Classification: Uncertain significance. Last evaluated: 2019-08-02. Review status: criteria provided, single submitter. Criteria: GeneDx Variant Classification Process June 2021. Collection method: clinical testing. Allele origin: germline. Affected: yes.
Comment: Has not been previously published as pathogenic or benign to our knowledge; In silico analysis, which includes protein predictors and evolutionary conservation, supports that this variant does not alter protein structure/function

Gharavi Laboratory, Columbia University
Classification: Uncertain significance. Last evaluated: 2018-09-16. Review status: no assertion criteria provided. Criteria: ACMG Guidelines, 2015. Collection method: research. Allele origin: germline. Affected: yes. Not counted in ClinVar's aggregate classification.

NM_000522.5(HOXA13):c.357_392del (p.Ala122_Ala133del)

Genes: HOXA13 (homeobox A13; minus strand), LOC107126288 (NUP98-HOXA13 recombination region; plus strand). Cytogenetic location: 7p15.2.
Variant type: Deletion.
Coding change: c.357_392del on transcript NM_000522.5 (MANE Select); coding-DNA positions 357 to 392, 36 bases deleted.
Protein change: p.Ala122_Ala133del.
Molecular consequence: inframe deletion.
Genome position (GRCh38, 1-based): chr7:27,199,686-27,199,721, 36 bases deleted; deleting any 36 consecutive bases within chr7:27,199,686-27,199,729 gives the same sequence; the c. name uses the placement nearest the transcript's 3' end. GRCh37 (hg19): chr7:27,239,313-27,239,348.
Identifiers: ClinVar variation 591912 (VCV000591912.11), dbSNP rs1235002831, ClinGen allele CA454513851.